The following is an entry in ClinVar:

ClinVar aggregate classification (germline): Uncertain significance (1 of 4 stars; one submission).

Conditions:
Hereditary cancer-predisposing syndrome. Also called: Neoplastic Syndromes, Hereditary; Tumor predisposition; Hereditary Cancer Syndrome; Hereditary neoplastic syndrome. Identifiers: Orphanet 140162, MedGen C0027672, MeSH D009386, MONDO:0015356.

Submission:

Ambry Genetics
Classification: Uncertain significance for Hereditary cancer-predisposing syndrome. Last evaluated: 2021-06-30. Review status: criteria provided, single submitter. Criteria: Ambry Variant Classification Scheme 2023. Collection method: clinical testing. Allele origin: germline.
Comment: The p.F611L variant (also known as c.1833T>G), located in coding exon 12 of the CTNNA1 gene, results from a T to G substitution at nucleotide position 1833. The phenylalanine at codon 611 is replaced by leucine, an amino acid with highly similar properties. This amino acid position is conserved. In addition, this alteration is predicted to be tolerated by in silico analysis. Since supporting evidence is limited at this time, the clinical significance of this alteration remains unclear.

NM_001903.5(CTNNA1):c.1833T>G (p.Phe611Leu)

Gene: CTNNA1 (catenin alpha 1; plus strand). Cytogenetic location: 5q31.2.
Variant type: single nucleotide variant.
Coding change: c.1833T>G on transcript NM_001903.5 (MANE Select); coding-DNA position 1833, T replaced by G.
Protein change: p.Phe611Leu; replaces phenylalanine 611 with leucine.
Molecular consequence: missense variant.
Genome position (GRCh38, 1-based): chr5:138,925,341, T>G. VCF-style: chr5-138925341-T-G. GRCh37 (hg19) VCF-style: chr5-138261030-T-G.
Other names: c.1833T>G, p.Phe611Leu (NM_001290307.3, NM_001323982.2, NM_001323983.1 and 2 more transcripts); c.1524T>G, p.Phe508Leu (NM_001290309.3); c.1464T>G, p.Phe488Leu (NM_001290310.3); c.723T>G, p.Phe241Leu (NM_001290312.1, NM_001323987.1, NM_001323988.1 and 17 more transcripts); c.1740T>G, p.Phe580Leu (NM_001323986.2); c.384T>G, p.Phe128Leu (NM_001324006.1, NM_001324007.1, NM_001324008.1 and 2 more transcripts); c.630T>G, p.Phe210Leu (NM_001324011.1); c.480T>G, p.Phe160Leu (NM_001324012.1, NM_001324013.1); short protein forms F128L, F488L, F508L, F160L, F210L, F241L, F611L, F580L.
Identifiers: ClinVar variation 1781009 (VCV001781009.2), dbSNP rs375147278, ClinGen allele CA361132308.